The following is an entry in ClinVar:

NM_004839.4(HOMER2):c.530dup (p.Thr178fs)

Gene: HOMER2 (homer scaffold protein 2; minus strand). Cytogenetic location: 15q25.2.
Variant type: Duplication.
Coding change: c.530dup on transcript NM_004839.4 (MANE Select); coding-DNA position 530, one base duplicated (A; older notation c.530dupA).
Protein change: p.Thr178fs; shifts the reading frame from threonine 178.
Molecular consequence: frameshift variant.
Genome position (GRCh38, 1-based): chr15:82,854,765, T duplicated on the plus strand (A on the coding strand, the reverse complement: HOMER2 is on the minus strand). VCF-style (leftmost placement, unchanged base first): chr15-82854764-C-CT. GRCh37 (hg19) VCF-style: chr15-83523516-C-CT.
Other names: c.563dup, p.Thr189fs (NM_199330.3); short protein forms T178fs, T189fs.
Identifiers: ClinVar variation 4085824 (VCV004085824.8).

ClinVar aggregate classification (germline): Uncertain significance (1 of 4 stars; one submission).

Submission:

CeGaT Center for Human Genetics Tuebingen
Classification: Uncertain significance. Last evaluated: 2025-08-01. Review status: criteria provided, single submitter. Criteria: CeGaT Center For Human Genetics Tuebingen Variant Classification Criteria Version 2. Collection method: clinical testing. Allele origin: germline. Affected: yes. Observed: 1 variant allele.
Comment: HOMER2: PM2, PVS1:Moderate